The following is an entry in ClinVar:

ClinVar aggregate classification (germline): Likely pathogenic (1 of 4 stars; one submission).

Conditions:
Deficiency of butyryl-CoA dehydrogenase (ACADSD). Also called: SCADH DEFICIENCY; SCAD DEFICIENCY, MILD; ACYL-CoA DEHYDROGENASE, SHORT-CHAIN, DEFICIENCY OF; Short-Chain Acyl-CoA Dehydrogenase Deficiency; SCAD Deficiency; ACADS DEFICIENCY. Identifiers: Orphanet 26792, MedGen C0342783, MONDO:0008722, OMIM 201470. Disease mechanism: May be benign.

Submission:

Myriad Genetics, Inc.
Classification: Likely pathogenic for Deficiency of butyryl-CoA dehydrogenase. Last evaluated: 2021-12-17. Review status: criteria provided, single submitter. Criteria: Myriad Women's Health Autosomal Recessive and X-Linked Classification Criteria (2021). Collection method: clinical testing. Allele origin: unknown.
Comment: NM_000017.2(ACADS):c.518_519ins5(E173Dfs*9) is expected to be pathogenic in the context of short-chain acyl-CoA dehydrogenase deficiency. This variant is predicted to lead to an abnormal or absent protein product due to the creation of a premature termination codon in ACADS, a gene where loss-of-function variants are known to be pathogenic. Please note: this variant was assessed in the context of healthy population screening.

NM_000017.4(ACADS):c.518_519insCTGCT (p.Glu173fs)

Gene: ACADS (acyl-CoA dehydrogenase short chain; plus strand). Cytogenetic location: 12q24.31.
Variant type: Insertion.
Coding change: c.518_519insCTGCT on transcript NM_000017.4 (MANE Select); coding-DNA positions 518 to 519, CTGCT inserted.
Protein change: p.Glu173fs; shifts the reading frame from glutamic acid 173.
Molecular consequence: frameshift variant. On other transcripts: intron variant (1).
Genome position: GRCh38 VCF-style: chr12-120737882-A-ACTGCT. GRCh37 (hg19) VCF-style: chr12-121175685-A-ACTGCT.
Other names: c.473-167_473-166insCTGCT (NM_001302554.2); short protein forms E173fs.
Identifiers: ClinVar variation 1726489 (VCV001726489.2), dbSNP rs2501193882, ClinGen allele CA2580085893.
Genomic context (GRCh38, chr12:120,737,882, plus strand): 5'-GGTCTGTGTGGGCAGGGAACGGCAGTGATGCAGGAGCTGCGTCCACCACCGCCCGGGCCG[A>ACTGCT]GGGCGACTCATGGGTTCTGAATGGAACCAAAGCCTGGATCACCAATGCCTGGGAGGCTTC-3'